The following is an entry in ClinVar:

NM_000254.3(MTR):c.648A>T (p.Lys216Asn)

Gene: MTR (5-methyltetrahydrofolate-homocysteine methyltransferase; plus strand). Cytogenetic location: 1q43.
Variant type: single nucleotide variant.
Coding change: c.648A>T on transcript NM_000254.3 (MANE Select); coding-DNA position 648, A replaced by T.
Protein change: p.Lys216Asn; replaces lysine 216 with asparagine.
Molecular consequence: missense variant. On other transcripts: 5 prime UTR variant (1).
Genome position (GRCh38, 1-based): chr1:236,815,642, A>T. VCF-style: chr1-236815642-A-T. GRCh37 (hg19) VCF-style: chr1-236978942-A-T.
Other names: c.648A>T, p.Lys216Asn (NM_001291939.1, NM_001410942.1); c.-461A>T (NM_001291940.2); short protein forms K216N.
Identifiers: ClinVar variation 1722108 (VCV001722108.5), dbSNP rs1306310765, ClinGen allele CA345385511.
Genomic context (GRCh38, chr1:236,815,642, plus strand): 5'-TTCTTTCTTTTTTCCCTGACAGGCAGCCTTGTTTGCACTCCAAAATCTTTTTGAGGAGAA[A>T]TATGCTCCCCGGCCTATCTTTGTAAGTTCTAAAGTGTTTGCACAATACATTCTTTTATTA-3'
Protein context (NP_000245.2, residues 206-226): LFALQNLFEE[Lys216Asn]YAPRPIFISG

ClinVar aggregate classification (germline): Uncertain significance (1 of 4 stars; one submission).

Conditions:
Methylcobalamin deficiency type cblG (HMAG). Also called: HOMOCYSTINURIA-MEGALOBLASTIC ANEMIA, cblG TYPE; Functional methionine synthase deficiency type cblG; HOMOCYSTINURIA-MEGALOBLASTIC ANEMIA DUE TO DEFECT IN COBALAMIN METABOLISM, cblG COMPLEMENTATION TYPE; HOMOCYSTINURIA-MEGALOBLASTIC ANEMIA, cblG COMPLEMENTATION TYPE. Identifiers: Orphanet 2170, Orphanet 622, MedGen C1855128, MONDO:0009609, OMIM 250940.

Submission:

Labcorp Genetics (formerly Invitae), Labcorp
Classification: Uncertain significance for Methylcobalamin deficiency type cblG. Last evaluated: 2022-08-14. Review status: criteria provided, single submitter. Criteria: Invitae Variant Classification Sherloc (09022015). Collection method: clinical testing. Allele origin: germline.
Comment: This sequence change replaces lysine, which is basic and polar, with asparagine, which is neutral and polar, at codon 216 of the MTR protein (p.Lys216Asn). This variant is not present in population databases (gnomAD no frequency). This variant has not been reported in the literature in individuals affected with MTR-related conditions. Algorithms developed to predict the effect of missense changes on protein structure and function (SIFT, PolyPhen-2, Align-GVGD) all suggest that this variant is likely to be tolerated. In summary, the available evidence is currently insufficient to determine the role of this variant in disease. Therefore, it has been classified as a Variant of Uncertain Significance.